The following is an entry in ClinVar:

ClinVar aggregate classification (germline): Uncertain significance (1 of 4 stars; one submission).

gnomAD v4.1: 1 of 1,612,890 alleles (0.000062%); highest among the groups gnomAD compares: Non-Finnish European, 0.000085%; no homozygotes.

Submission:

GeneDx
Classification: Uncertain significance. Last evaluated: 2023-11-21. Review status: criteria provided, single submitter. Criteria: GeneDx Variant Classification Process June 2021. Collection method: clinical testing. Allele origin: germline. Affected: yes.
Comment: Not observed at significant frequency in large population cohorts (gnomAD); In silico analysis supports that this missense variant does not alter protein structure/function; Has not been previously published as pathogenic or benign to our knowledge

NM_018006.5(TRMU):c.448C>A (p.Leu150Ile)

Gene: TRMU (tRNA mitochondrial 2-thiouridylase; plus strand). Cytogenetic location: 22q13.31.
Variant type: single nucleotide variant.
Coding change: c.448C>A on transcript NM_018006.5 (MANE Select); coding-DNA position 448, C replaced by A.
Protein change: p.Leu150Ile; replaces leucine 150 with isoleucine.
Molecular consequence: missense variant. On other transcripts: synonymous variant (2), non-coding transcript variant (2).
Genome position (GRCh38, 1-based): chr22:46,346,514, C>A. VCF-style: chr22-46346514-C-A. GRCh37 (hg19) VCF-style: chr22-46742411-C-A.
Other names: c.106C>A, p.Leu36Ile (NM_001282782.2); c.87C>A, p.Gly29= (NM_001282783.2, NM_001282784.2); c.448C>A, p.Leu150Ile (NM_001282785.2); short protein forms L150I, L36I.
Identifiers: ClinVar variation 3364751 (VCV003364751.1).